The following is an entry in ClinVar:

ClinVar aggregate classification (germline): Uncertain significance (1 of 4 stars; one submission).

Conditions:
Hereditary cancer-predisposing syndrome. Also called: Hereditary Cancer Syndrome; Neoplastic Syndromes, Hereditary; Tumor predisposition; Hereditary neoplastic syndrome. Identifiers: Orphanet 140162, MedGen C0027672, MeSH D009386, MONDO:0015356.

gnomAD v4.1: 1 of 1,584,358 alleles (0.000063%); highest among the groups gnomAD compares: Non-Finnish European, 0.000087%; no homozygotes.

Submission:

Ambry Genetics
Classification: Uncertain significance for Hereditary cancer-predisposing syndrome. Last evaluated: 2021-12-23. Review status: criteria provided, single submitter. Criteria: Ambry Variant Classification Scheme 2023. Collection method: clinical testing. Allele origin: germline.
Comment: The p.R177G variant (also known as c.529C>G), located in coding exon 5 of the SDHB gene, results from a C to G substitution at nucleotide position 529. The arginine at codon 177 is replaced by glycine, an amino acid with dissimilar properties. This alteration has been reported in a patient diagnosed with a paraganglioma (Fishbein L et al. Ann Surg Oncol. 2013 May;20:1444-50). This amino acid position is highly conserved in available vertebrate species. In addition, this alteration is predicted to be deleterious by in silico analysis. Since supporting evidence is limited at this time, the clinical significance of this alteration remains unclear.

Literature cited by the submitters: PubMed 23512077.

NM_003000.3(SDHB):c.529C>G (p.Arg177Gly)

Gene: SDHB (succinate dehydrogenase complex iron sulfur subunit B; minus strand). Cytogenetic location: 1p36.13.
Variant type: single nucleotide variant.
Coding change: c.529C>G on transcript NM_003000.3 (MANE Select); coding-DNA position 529, C replaced by G.
Protein change: p.Arg177Gly; replaces arginine 177 with glycine.
Molecular consequence: missense variant.
Genome position (GRCh38, 1-based): chr1:17,027,760, G>C on the plus strand (C>G on the coding strand, the complement: SDHB is on the minus strand). VCF-style: chr1-17027760-G-C. GRCh37 (hg19) VCF-style: chr1-17354255-G-C.
Other names: c.475C>G, p.Arg159Gly (NM_001407361.1); short protein forms R159G, R177G.
Identifiers: ClinVar variation 1746669 (VCV001746669.2), dbSNP rs149091125, ClinGen allele CA338272485.
Genomic context (GRCh38, chr1:17,027,760, plus strand): 5'-TCTTTGCAATAAATTCTTCAGATTGAAACAATAAATAGGGACTAATGACCAGTTTCTCAC[G>C]CTCTTCTATGGACTGCAGATACTGCTGCTTGCCTTCCTGAGATTCATCCTTCTTCTTCAA-3'
Protein context (NP_002991.2, residues 167-187): KQQYLQSIEE[Arg177Gly]EKLDGLYECI